The following is an entry in ClinVar:

NM_018417.6(ADCY10):c.828G>A (p.Gln276=)

Genes: ADCY10 (adenylate cyclase 10; minus strand), DCAF6 (DDB1 and CUL4 associated factor 6; plus strand). Cytogenetic location: 1q24.2.
Variant type: single nucleotide variant.
Coding change: c.828G>A on transcript NM_018417.6 (MANE Select); coding-DNA position 828, G replaced by A.
Protein change: p.Gln276=; no amino-acid change (glutamine 276 retained).
Molecular consequence: synonymous variant.
Genome position (GRCh38, 1-based): chr1:167,893,853, C>T on the plus strand (G>A on the coding strand, the complement: ADCY10 is on the minus strand). VCF-style: chr1-167893853-C-T. GRCh37 (hg19) VCF-style: chr1-167863091-C-T.
Other names: c.369G>A, p.Gln123= (NM_001167749.3); c.552G>A, p.Gln184= (NM_001297772.2).
Identifiers: ClinVar variation 2060624 (VCV002060624.4), dbSNP rs1158211189, ClinGen allele CA421704777.
Genomic context (GRCh38, chr1:167,893,853, plus strand): 5'-AATTCCAGCTGTCCAGATCCCTGACATCCCCAAAGCCAGTAAATTCAATTTTGAAAATAC[C>T]TGCTTCAAAATGCTTTCCATCACATACTTTTGTAGGGACATCTCCAGTTCAGGATCAGGC-3'
Protein context (NP_060887.2, residues 266-286): QKYVMESILK[Gln276=]IDNKQLQGYL

ClinVar aggregate classification (germline): Uncertain significance (1 of 4 stars; one submission).

Allele frequency attached by ClinVar (database versions not stated): gnomAD exomes below 0.00001.
gnomAD v4.1: 1 of 1,609,242 alleles (0.000062%); highest among the groups gnomAD compares: Admixed American, 0.0017%; no homozygotes.

Submission:

Labcorp Genetics (formerly Invitae), Labcorp
Classification: Uncertain significance. Last evaluated: 2022-01-13. Review status: criteria provided, single submitter. Criteria: Invitae Variant Classification Sherloc (09022015). Collection method: clinical testing. Allele origin: germline.
Comment: In summary, the available evidence is currently insufficient to determine the role of this variant in disease. Therefore, it has been classified as a Variant of Uncertain Significance. Variants that disrupt the consensus splice site are a relatively common cause of aberrant splicing (PMID: 17576681, 9536098). Algorithms developed to predict the effect of sequence changes on RNA splicing suggest that this variant may disrupt the consensus splice site. This variant has not been reported in the literature in individuals affected with ADCY10-related conditions. This variant is present in population databases (no rsID available, gnomAD 0.003%). This sequence change affects codon 276 of the ADCY10 mRNA. It is a 'silent' change, meaning that it does not change the encoded amino acid sequence of the ADCY10 protein. This variant also falls at the last nucleotide of exon 8, which is part of the consensus splice site for this exon.

Literature cited by the submitters: PubMed 17576681; PubMed 9536098.